The following is an entry in ClinVar:

NM_018036.7(ATG2B):c.4400C>G (p.Pro1467Arg)

Gene: ATG2B (autophagy related 2B; minus strand). Cytogenetic location: 14q32.2.
Variant type: single nucleotide variant.
Coding change: c.4400C>G on transcript NM_018036.7 (MANE Select); coding-DNA position 4400, C replaced by G.
Protein change: p.Pro1467Arg; replaces proline 1467 with arginine.
Molecular consequence: missense variant.
Genome position (GRCh38, 1-based): chr14:96,306,820, G>C on the plus strand (C>G on the coding strand, the complement: ATG2B is on the minus strand). VCF-style: chr14-96306820-G-C. GRCh37 (hg19) VCF-style: chr14-96773157-G-C.
Other names: c.4400C>G (NM_018036.6); short protein forms P1467R.
Identifiers: ClinVar variation 2315398 (VCV002315398.3), dbSNP rs1886962646, ClinGen allele CA390924095.
Genomic context (GRCh38, chr14:96,306,820, plus strand): 5'-TCAGTGGGCACACCTGTCATTGCATCACTGATGAAATGGTGAGAGAATGAGGCATAGGTG[G>C]GGCCGGACTCCTGGGATACATTCCCACTCTCGTCAGGAAACAGGAAGAGGTCTGAACAAC-3'
Protein context (NP_060506.6, residues 1457-1477): ESGNVSQESG[Pro1467Arg]TYASFSHHFI

ClinVar aggregate classification (germline): Uncertain significance. Review status: criteria provided, multiple submitters, no conflicts (2 of 4 stars). 2 submissions from 2 submitters: Uncertain significance (2). Last evaluated 2026-03-02.

Conditions:
ATG2B-related disorder. Also called: ATG2B-related condition.

Allele frequency attached by ClinVar (database versions not stated): gnomAD 0.00001; TOPMed 0.00002.

Submissions (2):

PreventionGenetics, part of Exact Sciences
Classification: Uncertain significance for ATG2B-related condition. Last evaluated: 2026-03-02. Review status: criteria provided, single submitter. Criteria: ACMG Guidelines, 2015. Collection method: clinical testing. Allele origin: germline.
Comment: The ATG2B c.4400C>G variant is predicted to result in the amino acid substitution p.Pro1467Arg. To our knowledge, this variant has not been reported in the literature or in a large population database (gnomAD), indicating this variant is rare. At this time, the clinical significance of this variant is uncertain due to the absence of conclusive functional and genetic evidence.

Ambry Genetics
Classification: Uncertain significance. Last evaluated: 2022-10-03. Review status: criteria provided, single submitter. Criteria: Ambry Variant Classification Scheme 2023. Collection method: clinical testing. Allele origin: germline.